The following is an entry in ClinVar:

NM_030777.4(SLC2A10):c.455C>T (p.Ala152Val)

Gene: SLC2A10 (solute carrier family 2 member 10; plus strand). Cytogenetic location: 20q13.12.
Variant type: single nucleotide variant.
Coding change: c.455C>T on transcript NM_030777.4 (MANE Select); coding-DNA position 455, C replaced by T.
Protein change: p.Ala152Val; replaces alanine 152 with valine.
Molecular consequence: missense variant.
Genome position (GRCh38, 1-based): chr20:46,725,491, C>T. VCF-style: chr20-46725491-C-T. GRCh37 (hg19) VCF-style: chr20-45354130-C-T.
Other names: p.Ala152Val; short protein forms A152V.
Identifiers: ClinVar variation 451377 (VCV000451377.14), dbSNP rs775987124, ClinGen allele CA9891977.

ClinVar aggregate classification (germline): Uncertain significance. Review status: criteria provided, multiple submitters, no conflicts (2 of 4 stars). 4 submissions from 4 submitters: Uncertain significance (4). Last evaluated 2025-12-15.

Conditions:
Familial thoracic aortic aneurysm and aortic dissection (TAAD). Also called: Thoracic aortic aneurysms and dissections. Identifiers: Orphanet 91387, MedGen C4707243, MONDO:0019625.
Arterial tortuosity syndrome (ATORS). Identifiers: Orphanet 3342, MedGen C1859726, MONDO:0008818, OMIM 208050.

Allele frequency attached by ClinVar (database versions not stated): TOPMed below 0.00001; ExAC 0.00001; gnomAD 0.00001; gnomAD exomes 0.00001 and 0.00003.
gnomAD v4.1: 42 of 1,614,056 alleles (0.0026%); highest among the groups gnomAD compares: Non-Finnish European, 0.0036%; no homozygotes.

Submissions (4):

Ambry Genetics
Classification: Uncertain significance for Familial thoracic aortic aneurysm and aortic dissection. Last evaluated: 2025-12-15. Review status: criteria provided, single submitter. Criteria: Ambry Variant Classification Scheme 2023. Collection method: clinical testing. Allele origin: germline.

Mayo Clinic Laboratories, Mayo Clinic
Classification: Uncertain significance. Last evaluated: 2025-01-12. Review status: criteria provided, single submitter. Criteria: ACMG Guidelines, 2015. Collection method: clinical testing. Allele origin: germline. Observed: 1 variant allele.

Labcorp Genetics (formerly Invitae), Labcorp
Classification: Uncertain significance for Arterial tortuosity syndrome. Last evaluated: 2021-11-04. Review status: criteria provided, single submitter. Criteria: Invitae Variant Classification Sherloc (09022015). Collection method: clinical testing. Allele origin: germline.
Comment: This variant is present in population databases (rs775987124, gnomAD 0.002%). This sequence change replaces alanine, which is neutral and non-polar, with valine, which is neutral and non-polar, at codon 152 of the SLC2A10 protein (p.Ala152Val). This variant has not been reported in the literature in individuals affected with SLC2A10-related conditions. In summary, the available evidence is currently insufficient to determine the role of this variant in disease. Therefore, it has been classified as a Variant of Uncertain Significance. Advanced modeling of protein sequence and biophysical properties (such as structural, functional, and spatial information, amino acid conservation, physicochemical variation, residue mobility, and thermodynamic stability) performed at Invitae indicates that this missense variant is not expected to disrupt SLC2A10 protein function. ClinVar contains an entry for this variant (Variation ID: 451377).

GeneDx
Classification: Uncertain significance. Last evaluated: 2017-08-17. Review status: criteria provided, single submitter. Criteria: GeneDx Variant Classification (06012015). Collection method: clinical testing. Allele origin: germline. Affected: yes.
Comment: A variant of uncertain significance has been identified in the SLC2A10 gene. The A152V variant has not been published as pathogenic or been reported as benign to our knowledge. This variant is not observed at a significant frequency in large population cohorts (Lek et al., 2016; 1000 Genomes Consortium et al., 2015; Exome Variant Server). However, the A152V variant is a conservative amino acid substitution, which is not likely to impact secondary protein structure as these residues share similar properties. This substitution occurs at a position that is not conserved across species, and in silico analysis suggests that this variant likely does not alter the protein structure/function.